The following is an entry in ClinVar:

ClinVar aggregate classification (germline): Pathogenic/Likely pathogenic. Review status: criteria provided, multiple submitters, no conflicts (2 of 4 stars). 5 submissions from 5 submitters: Pathogenic (3); Likely pathogenic (2). Last evaluated 2024-04-22.

Conditions:
Telangiectasia, hereditary hemorrhagic, type 1 (HHT1). Also called: Osler Weber Rendu syndrome type 1; ENG-Related Hereditary Hemorrhagic Telangiectasia. Identifiers: Orphanet 774, MedGen C4551861, MONDO:0008535, OMIM 187300. Disease mechanism: loss of function.

Submissions (5):

GeneDx
Classification: Likely pathogenic. Last evaluated: 2024-04-22. Review status: criteria provided, single submitter. Criteria: GeneDx Variant Classification Process June 2021. Collection method: clinical testing. Allele origin: germline. Affected: yes.
Comment: Not observed at significant frequency in large population cohorts (gnomAD); Canonical splice site variant expected to result in aberrant splicing, although in the absence of functional evidence the actual effect of this sequence change is unknown.; This variant is associated with the following publications: (PMID: 25525159, 15880681, 21158752)

Victorian Clinical Genetics Services, Murdoch Childrens Research Institute
Classification: Pathogenic for Telangiectasia, hereditary hemorrhagic, type 1. Last evaluated: 2023-07-17. Review status: criteria provided, single submitter. Criteria: ACMG Guidelines, 2015. Collection method: clinical testing. Allele origin: germline. Inheritance: Autosomal dominant inheritance. Affected: yes.
Comment: Based on the classification scheme VCGS_Germline_v1.3.4, this variant is classified as Pathogenic. Following criteria are met: 0103 - Dominant negative and loss of function are known mechanisms of disease in this gene and are associated with hereditary haemorrhagic telangiectasia. Many protein-truncating variants have been reported (PMID: 21158752) and missense variants have been shown to result in loss of function and dominant negative effects (PMIDs: 25312062, 25080347). (I) 0107 - This gene is associated with autosomal dominant disease. (I) 0211 - Canonical splice site variant without proven consequence on splicing (no functional evidence available). (SP) 0251 - This variant is heterozygous. (I) 0301 - Variant is absent from gnomAD (both v2 and v3). (SP) 0505 - Abnormal splicing is predicted by in silico tools and affected nucleotide is highly conserved. (SP) 0703 - Other canonical splice variants comparable to the one identified in this case have moderate previous evidence for pathogenicity. The c.1429-1G>C variant has been reported in individuals with epistaxis and telangiectasia (PMIDs: 21158752, 15880681), and c.1429-2A>G has been reported in a single hereditary haemorrhagic telangiectasia family (PMID:34872578). Both variants are classified as as likely pathogenic/pathogenic by diagnostic laboratories in ClinVar. (SP) 0801 - This variant has strong previous evidence of pathogenicity in unrelated individuals. It has been reported in at least five individuals with hereditary haemorrhagic telangiectasia and classified as as likely pathogenic/pathogenic by diagnostic laboratories in ClinVar (PMIDs: 21158752, PMID: 32907962). (SP) 0905 - No published segregation evidence has been identified for this variant. (I) 1007 - No published functional evidence has been identified for this variant. (I) 1102 - Strong phenotype match for this individual. (SP) 1208 - Inheritance information for this variant is not currently available in this individual. (I) Legend: (SP) - Supporting pathogenic, (I) - Information, (SB) - Supporting benign

Molecular Genetics, Royal Melbourne Hospital
Classification: Pathogenic for Telangiectasia, hereditary hemorrhagic, type 1. Last evaluated: 2023-03-30. Review status: criteria provided, single submitter. Criteria: ACMG Guidelines, 2015. Collection method: clinical testing. Allele origin: germline. Affected: yes.
Comment: This sequence change affects the canonical acceptor splice site in intron 11 of ENG. It is expected to disrupt RNA splicing and likely results in an absent protein product, or exon 12 skipping with reading frame preservation. Removing exon 12 would remove the majority of the ZP-C domain, which is integral to the proteins function through its interaction with BMP9 (PMID: 28564608 - PVS1_Strong). RNA analyses have not been performed to confirm the presence of a splicing aberration. The variant is absent in a large population cohort (gnomAD v2.1 - PM2), and has been identified in at least four cases with a confirmed clinical diagnosis of hereditary haemorrhagic telangiectasia (ARUP ENG database, Royal Melbourne Hospital - PS4). Based on the classification scheme RMH ACMG Guidelines v1.2.1, this variant is classified as PATHOGENIC. Following criteria are met: PVS1_Strong, PS4, PM2.

Mayo Clinic Laboratories, Mayo Clinic
Classification: Likely pathogenic. Last evaluated: 2020-07-08. Review status: criteria provided, single submitter. Criteria: ACMG Guidelines, 2015. Collection method: clinical testing. Allele origin: germline. Observed: 1 variant allele.
Comment: PVS1_Strong, PM2

Genetic Services Laboratory, University of Chicago
Classification: Pathogenic. Last evaluated: 2018-06-07. Review status: criteria provided, single submitter. Criteria: ACMG Guidelines, 2015. Collection method: clinical testing. Allele origin: germline. Affected: yes.
Comment: DNA sequence analysis of the ENG gene demonstrated a sequence change in the canonical splice acceptor site of intron 11, c.1429-1G>A. This pathogenic sequence change has previously been described in a patient with features of hereditary hemorrhagic telangiectasia (HHT) (PMID: 21158752). A different sequence change at this nucleotide position (c.1429-1G>C) has also been described in patients with HHT (PMIDs: 21158752, 15880681). This pathogenic sequence change is predicted to affect normal splicing of the ENG gene and result in an abnormal protein. This sequence change is the likely cause of the indicated phenotype, however functional studies have not been performed to prove this conclusively.

Literature cited by the submitters: PubMed 15880681 (cited by Victorian Clinical Genetics Services, Murdoch Childrens Research Institute); PubMed 21158752 (cited by Victorian Clinical Genetics Services, Murdoch Childrens Research Institute and Mayo Clinic Laboratories, Mayo Clinic); PubMed 25080347 (cited by Victorian Clinical Genetics Services, Murdoch Childrens Research Institute); PubMed 25312062 (cited by Victorian Clinical Genetics Services, Murdoch Childrens Research Institute); PubMed 32907962 (cited by Victorian Clinical Genetics Services, Murdoch Childrens Research Institute); PubMed 34872578 (cited by Victorian Clinical Genetics Services, Murdoch Childrens Research Institute); PubMed 28564608 (cited by Molecular Genetics, Royal Melbourne Hospital).

NM_001114753.3(ENG):c.1429-1G>A

Genes: ENG (endoglin; minus strand), LOC102723566 (uncharacterized LOC102723566; plus strand). Cytogenetic location: 9q34.11.
Variant type: single nucleotide variant.
Coding change: c.1429-1G>A on transcript NM_001114753.3 (MANE Select); the canonical splice acceptor site of the intron before coding-DNA position 1429, G replaced by A.
Molecular consequence: splice acceptor variant. On other transcripts: non-coding transcript variant (1).
Genome position (GRCh38, 1-based): chr9:127,818,378, C>T on the plus strand (G>A on the coding strand, the complement: ENG is on the minus strand). VCF-style: chr9-127818378-C-T. GRCh37 (hg19) VCF-style: chr9-130580657-C-T.
Other names: c.883-1G>A (NM_001278138.2); c.1429-1G>A (NM_000118.4).
Identifiers: ClinVar variation 1163030 (VCV001163030.16), dbSNP rs2131876244, ClinGen allele CA374976262.